The following is an entry in ClinVar:

NC_000002.11:g.(?_73761931)_(73762096_?)del

Gene: ALMS1 (ALMS1 centrosome and basal body associated protein; plus strand). Cytogenetic location: 2p13.1.
Variant type: Deletion.
Identifiers: ClinVar variation 2426080 (VCV002426080.3).

ClinVar aggregate classification (germline): Uncertain significance (1 of 4 stars; one submission).

Conditions:
Alstrom syndrome (ALMS). Identifiers: Orphanet 64, MedGen C0268425, MONDO:0008763, OMIM 203800.

Submission:

Labcorp Genetics (formerly Invitae), Labcorp
Classification: Uncertain significance for Alstrom syndrome. Last evaluated: 2022-10-13. Review status: criteria provided, single submitter. Criteria: Invitae Variant Classification Sherloc (09022015). Collection method: clinical testing. Allele origin: germline.
Comment: This variant is a gross deletion of the genomic region encompassing exon(s) 12 of the ALMS1 gene. This variant would be expected to be in-frame, preserving the integrity of the reading frame. This variant has not been reported in the literature in individuals affected with ALMS1-related conditions. Experimental studies and prediction algorithms are not available or were not evaluated, and the functional significance of this variant is currently unknown. In summary, the available evidence is currently insufficient to determine the role of this variant in disease. Therefore, it has been classified as a Variant of Uncertain Significance.